The following is an entry in ClinVar:

NM_001272046.2(VWA2):c.1366C>T (p.His456Tyr)

Genes: AFAP1L2 (actin filament associated protein 1 like 2; minus strand), VWA2 (von Willebrand factor A domain containing 2; plus strand). Cytogenetic location: 10q25.3.
Variant type: single nucleotide variant.
Coding change: c.1366C>T on transcript NM_001272046.2 (MANE Select); coding-DNA position 1366, C replaced by T.
Protein change: p.His456Tyr; replaces histidine 456 with tyrosine.
Molecular consequence: missense variant.
Genome position (GRCh38, 1-based): chr10:114,286,307, C>T. VCF-style: chr10-114286307-C-T. GRCh37 (hg19) VCF-style: chr10-116046066-C-T.
Other names: c.1366C>T, p.His456Tyr (NM_001320804.1); short protein forms H456Y.
Identifiers: ClinVar variation 3049868 (VCV003049868.2), dbSNP rs141860499, ClinGen allele CA5700674.

ClinVar aggregate classification (germline): Benign (0 of 4 stars; one submission).

Conditions:
VWA2-related disorder. Also called: VWA2-related condition.

Allele frequency attached by ClinVar (database versions not stated): 1000 Genomes Project 30x 0.00390; 1000 Genomes Project 0.00439; ExAC 0.00461; gnomAD 0.00510; TOPMed 0.00583; ESP Exome Variant Server 0.00661; gnomAD exomes 0.00719.
gnomAD v4.1: 11,280 of 1,611,474 alleles (0.7%); highest among the groups gnomAD compares: Non-Finnish European, 0.85%; 68 homozygotes.

Submission:

PreventionGenetics, part of Exact Sciences
Classification: Benign for VWA2-related condition. Last evaluated: 2023-10-30. Review status: no assertion criteria provided. Collection method: clinical testing. Allele origin: germline.
Comment: This variant is classified as benign based on ACMG/AMP sequence variant interpretation guidelines (Richards et al. 2015 PMID: 25741868, with internal and published modifications).